The following is an entry in ClinVar:

ClinVar aggregate classification (germline): Uncertain significance. Review status: criteria provided, multiple submitters, no conflicts (2 of 4 stars). 3 submissions from 3 submitters: Uncertain significance (3). Last evaluated 2025-05-06.

Conditions:
Infantile-onset ascending hereditary spastic paralysis (IAHSP). Also called: Autosomal Recessive Juvenile Amyotrophic Lateral Sclerosis; Infantile-Onset Ascending Hereditary Spastic Paralysis (IAHSP). Identifiers: Orphanet 293168, MedGen C2931441, MONDO:0011797, OMIM 607225. Disease mechanism: loss of function.
ALS2-related disorder. Also called: ALS2-related condition; ALS2-related disorders; ALS2-Related Spectrum Disorders. Identifiers: MedGen CN169291.

Allele frequency attached by ClinVar (database versions not stated): gnomAD 0.00001 and 0.00002; TOPMed 0.00001; ExAC 0.00002; gnomAD exomes 0.00002.
gnomAD v4.1: 31 of 1,613,778 alleles (0.0019%); highest among the groups gnomAD compares: African/African-American, 0.0027%; no homozygotes.

Submissions (3):

PreventionGenetics, part of Exact Sciences
Classification: Uncertain significance for ALS2-related condition. Last evaluated: 2025-05-06. Review status: criteria provided, single submitter. Criteria: ACMG Guidelines, 2015. Collection method: clinical testing. Allele origin: germline.
Comment: The ALS2 c.3307C>A variant is predicted to result in the amino acid substitution p.His1103Asn. To our knowledge, this variant has not been reported in the literature. This variant is reported in 0.0041% of alleles in individuals of African descent in gnomAD. At this time, the clinical significance of this variant is uncertain due to the absence of conclusive functional and genetic evidence.

Women's Health and Genetics/Laboratory Corporation of America, LabCorp
Classification: Uncertain significance. Last evaluated: 2024-07-26. Review status: criteria provided, single submitter. Criteria: LabCorp Variant Classification Summary - May 2015. Collection method: clinical testing. Allele origin: germline.
Comment: Variant summary: ALS2 c.3307C>A (p.His1103Asn) results in a conservative amino acid change in the encoded protein sequence. Three of five in-silico tools predict a benign effect of the variant on protein function. The variant allele was found at a frequency of 1.6e-05 in 249528 control chromosomes (gnomAD). The available data on variant occurrences in the general population are insufficient to allow any conclusion about variant significance. To our knowledge, no occurrence of c.3307C>A in individuals affected with ALS2-Related Disorders and no experimental evidence demonstrating its impact on protein function have been reported. ClinVar contains an entry for this variant (Variation ID: 577205). Based on the evidence outlined above, the variant was classified as uncertain significance.

Labcorp Genetics (formerly Invitae), Labcorp
Classification: Uncertain significance for Infantile-onset ascending hereditary spastic paralysis. Last evaluated: 2022-01-16. Review status: criteria provided, single submitter. Criteria: Invitae Variant Classification Sherloc (09022015). Collection method: clinical testing. Allele origin: germline.
Comment: This variant is present in population databases (rs778406073, gnomAD 0.004%). In summary, the available evidence is currently insufficient to determine the role of this variant in disease. Therefore, it has been classified as a Variant of Uncertain Significance. Algorithms developed to predict the effect of missense changes on protein structure and function (SIFT, PolyPhen-2, Align-GVGD) all suggest that this variant is likely to be tolerated. ClinVar contains an entry for this variant (Variation ID: 577205). This variant has not been reported in the literature in individuals affected with ALS2-related conditions. This sequence change replaces histidine, which is basic and polar, with asparagine, which is neutral and polar, at codon 1103 of the ALS2 protein (p.His1103Asn).

NM_020919.4(ALS2):c.3307C>A (p.His1103Asn)

Gene: ALS2 (alsin Rho guanine nucleotide exchange factor ALS2; minus strand). Cytogenetic location: 2q33.1.
Variant type: single nucleotide variant.
Coding change: c.3307C>A on transcript NM_020919.4 (MANE Select); coding-DNA position 3307, C replaced by A.
Protein change: p.His1103Asn; replaces histidine 1103 with asparagine.
Molecular consequence: missense variant.
Genome position (GRCh38, 1-based): chr2:201,725,396, G>T on the plus strand (C>A on the coding strand, the complement: ALS2 is on the minus strand). VCF-style: chr2-201725396-G-T. GRCh37 (hg19) VCF-style: chr2-202590119-G-T.
Other names: short protein forms H1103N.
Identifiers: ClinVar variation 577205 (VCV000577205.10), dbSNP rs778406073, ClinGen allele CA2057921.